The following is an entry in ClinVar:

NM_000088.4(COL1A1):c.3280G>A (p.Gly1094Ser)

Gene: COL1A1 (collagen type I alpha 1 chain; minus strand). Cytogenetic location: 17q21.33.
Variant type: single nucleotide variant.
Coding change: c.3280G>A on transcript NM_000088.4 (MANE Select); coding-DNA position 3280, G replaced by A.
Protein change: p.Gly1094Ser; replaces glycine 1094 with serine.
Molecular consequence: missense variant.
Genome position (GRCh38, 1-based): chr17:50,187,965, C>T on the plus strand (G>A on the coding strand, the complement: COL1A1 is on the minus strand). VCF-style: chr17-50187965-C-T. GRCh37 (hg19) VCF-style: chr17-48265326-C-T.
Other names: short protein forms G1094S.
Identifiers: ClinVar variation 4992944 (VCV004992944.1).

ClinVar aggregate classification (germline): Pathogenic (1 of 4 stars; one submission).

Conditions:
COL1A1-related disorder. Also called: COL1A1- related disease; COL1A1-related condition.

Submission:

PreventionGenetics, part of Exact Sciences
Classification: Pathogenic for COL1A1-related condition. Last evaluated: 2025-10-20. Review status: criteria provided, single submitter. Criteria: ACMG Guidelines, 2015. Collection method: clinical testing. Allele origin: germline.
Comment: The COL1A1 c.3280G>A variant is predicted to result in the amino acid substitution p.Gly1094Ser. This variant has been reported in a case of osteogenesis imperfecta type II (Bodian et al. 2009. PubMed ID: 18996919). This variant is located in the conserved Gly-Xaa-Yaa triple helical domain where substitutions of a glycine are usually pathogenic (amino acids 179-1192 in UniProt; amino acids 1-1012 using legacy nomenclature in Marini et al. 2007. PubMed ID: 17078022). This variant has not been reported in a large population database (gnomAD), indicating this variant is rare. This variant is interpreted as pathogenic.